The following is an entry in ClinVar:

ClinVar aggregate classification (germline): Pathogenic/Likely pathogenic. Review status: criteria provided, multiple submitters, no conflicts (2 of 4 stars). 10 submissions from 10 submitters: Pathogenic (8); Likely pathogenic (1). 1 of the submissions does not count toward it. Last evaluated 2025-11-17.

Conditions:
Fanconi anemia complementation group J. Also called: BRIP1-Related Fanconi Anemia. Identifiers: Orphanet 84, MedGen C1836860, MONDO:0012187, OMIM 609054.
Ovarian cancer. Also called: OVARIAN CANCER, SOMATIC. Identifiers: Orphanet 213500, MedGen C1140680, MONDO:0008170, OMIM 167000.
Hereditary cancer-predisposing syndrome. Also called: Tumor predisposition; Hereditary Cancer Syndrome; Neoplastic Syndromes, Hereditary; Hereditary neoplastic syndrome. Identifiers: Orphanet 140162, MedGen C0027672, MeSH D009386, MONDO:0015356.
Familial cancer of breast. Also called: BREAST CANCER, FAMILIAL; Hereditary breast cancer; hereditary breast carcinoma. Identifiers: Orphanet 227535, MedGen C0346153, MONDO:0016419, OMIM 114480. Disease mechanism: loss of function.
Hereditary breast ovarian cancer syndrome. Also called: Hereditary breast and ovarian cancer; Hereditary breast and/or ovarian cancer syndrome; BRCA1- and BRCA2-Associated Hereditary Breast and Ovarian Cancer; Hereditary breast and ovarian cancer syndrome; Hereditary breast and ovarian cancer syndrome (HBOC); Breast and ovarian cancer. Identifiers: Orphanet 145, MedGen C0677776, MeSH D061325, MONDO:0003582. Disease mechanism: loss of function.

Submissions (10):

Labcorp Genetics (formerly Invitae), Labcorp
Classification: Pathogenic for Familial cancer of breast; Fanconi anemia complementation group J. Last evaluated: 2025-11-17. Review status: criteria provided, single submitter. Criteria: Invitae Variant Classification Sherloc (09022015). Collection method: clinical testing. Allele origin: germline.
Comment: This sequence change creates a premature translational stop signal (p.Gln376Asnfs*18) in the BRIP1 gene. It is expected to result in an absent or disrupted protein product. Loss-of-function variants in BRIP1 are known to be pathogenic (PMID: 16116423, 17033622, 21964575). This variant is present in population databases (rs587780224, gnomAD 0.007%). This premature translational stop signal has been observed in individual(s) with breast cancer (PMID: 26681312). ClinVar contains an entry for this variant (Variation ID: 128151). For these reasons, this variant has been classified as Pathogenic.

Ambry Genetics
Classification: Pathogenic for Hereditary cancer-predisposing syndrome. Last evaluated: 2025-06-23. Review status: criteria provided, single submitter. Criteria: Ambry Variant Classification Scheme 2023. Collection method: clinical testing. Allele origin: germline.
Comment: The c.1126_1127delCA pathogenic mutation, located in coding exon 7 of the BRIP1 gene, results from a deletion of two nucleotides at nucleotide positions 1126 to 1127, causing a translational frameshift with a predicted alternate stop codon (p.Q376Nfs*18). This variant has been identified in more than one patient with a personal and family history of breast and/or ovarian cancer (Susswein LR et al. Genet Med, 2016 08;18:823-32; Maxwell KN et al. Am J Hum Genet, 2016 May;98:801-817). In addition to the clinical data presented in the literature, this alteration is expected to result in loss of function by premature protein truncation or nonsense-mediated mRNA decay. As such, this alteration is interpreted as a disease-causing mutation.

Color Diagnostics, LLC DBA Color Health
Classification: Pathogenic for Hereditary cancer-predisposing syndrome. Last evaluated: 2024-08-12. Review status: criteria provided, single submitter. Criteria: ACMG Guidelines, 2015. Collection method: clinical testing. Allele origin: germline.
Comment: This variant deletes 2 nucleotides in exon 8/20 of the BRIP1 gene, creating a frameshift and premature translation stop signal. This variant is expected to result in an absent or non-functional protein product. This variant has been reported in an individual affected with breast cancer (PMID: 26681312). This variant has been identified in 1/251298 chromosomes in the general population by the Genome Aggregation Database (gnomAD). Loss of BRIP1 function is a known mechanism of disease. Based on the available evidence, this variant is classified as Pathogenic.

Women's Health and Genetics/Laboratory Corporation of America, LabCorp
Classification: Pathogenic for Hereditary breast ovarian cancer syndrome. Last evaluated: 2024-02-06. Review status: criteria provided, single submitter. Criteria: LabCorp Variant Classification Summary - May 2015. Collection method: clinical testing. Allele origin: germline.
Comment: Variant summary: BRIP1 c.1126_1127delCA (p.Gln376AsnfsX18) results in a premature termination codon, predicted to cause a truncation of the encoded protein or absence of the protein due to nonsense mediated decay, which are commonly known mechanisms for disease. The variant allele was found at a frequency of 4e-06 in 251298 control chromosomes (gnomAD). The available data on variant occurrences in the general population are insufficient to allow any conclusion about variant significance. c.1126_1127delCA has been reported in the literature in at least one individual affected with breast cancer (e.g., Susswein_2016). The following publication was ascertained in the context of this evaluation (PMID: 26681312). ClinVar contains an entry for this variant (Variation ID: 128151). Based on the evidence outlined above, the variant was classified as pathogenic.

Mayo Clinic Laboratories, Mayo Clinic
Classification: Likely pathogenic. Last evaluated: 2023-08-16. Review status: criteria provided, single submitter. Criteria: ACMG Guidelines, 2015. Collection method: clinical testing. Allele origin: germline. Observed: 1 variant allele.
Comment: PM2_moderate, PVS1

Myriad Genetics, Inc.
Classification: Pathogenic for Familial cancer of breast. Last evaluated: 2023-03-02. Review status: criteria provided, single submitter. Criteria: Myriad Autosomal Dominant, Autosomal Recessive and X-Linked Classification Criteria (2023). Collection method: clinical testing. Allele origin: unknown.
Comment: This variant is considered pathogenic. This variant creates a frameshift predicted to result in premature protein truncation.

Baylor Genetics
Classification: Pathogenic for Familial cancer of breast. Last evaluated: 2022-03-24. Review status: criteria provided, single submitter. Criteria: ACMG Guidelines, 2015. Collection method: clinical testing. Allele origin: unknown.

Revvity Omics, Revvity
Classification: Pathogenic for Fanconi anemia complementation group J. Last evaluated: 2019-06-13. Review status: criteria provided, single submitter. Criteria: ACMG Guidelines, 2015. Collection method: clinical testing. Allele origin: germline.

GeneDx
Classification: Pathogenic. Last evaluated: 2014-02-28. Review status: criteria provided, single submitter. Criteria: GeneDx Variant Classification (06012015). Collection method: clinical testing. Allele origin: germline. Affected: yes.
Comment: This pathogenic variant is denoted BRIP1 c.1126_1127delCA at the cDNA level and p.Gln376AsnfsX18 (Q376NfsX18) at the protein level. The normal sequence, with the bases that are deleted in brackets, is TGCA[delCA]AAAT. The deletion causes a frameshift, which changes a Glutamine to an Asparagine at codon 376, and creates a premature stop codon at position 18 of the new reading frame. This variant is predicted to cause loss of normal protein function through either protein truncation or nonsense-mediated mRNA decay. Although this variant has not been previously reported to our knowledge, it is considered pathogenic. BRIP1 has been only recently described in association with cancer predisposition and the risks are not well understood. In one case-control study, BRIP1 truncating mutations were identified in 9/1,212 cases with breast cancer from BRCA1/2-negative families, and in 2/2,081 controls, The relative risk of breast cancer was estimated to be 2.0, resulting in lifetime risk of approximately 25% (Seal 2006). Of note, BRIP1 missense variants in this study were not associated with cancer risk. Another study found that a frameshift BRIP1 variant in the Icelandic population was associated with an 8-fold increased risk of ovarian cancer which translates to a lifetime risk of approximately 11% (Rafnar 2011). Walsh et al. (2011) also identified BRIP1 mutations in 4/360 patients with ovarian cancer, peritoneal cancer, or fallopian tube cancer unselected for family history.Fanconi Anemia (FA) is a rare autosomal recessive condition that can be caused by two mutations (one in each copy of the gene) mutations in the BRIP1 gene (Seal 2006). This condition is characterized physical abnormalities, bone marrow failure, an increased risk for malignancy in children including leukemia and certain solid tumors. The Fanconi Anemia phenotype due to BRIP1 mutations is thought to result in a lower rate of childhood solid tumors compared to the phenotype due to two BRCA2 variants (Apostolou 2013). If a BRIP1 mutation carrier'spartner also carries a BRIP1mutation, the risk to have a child with FA is 25% with each pregnancy.

Counsyl
Classification: Likely pathogenic for Fanconi anemia complementation group J; Ovarian cancer. Last evaluated: 2017-09-19. Review status: no assertion criteria provided. Collection method: clinical testing. Allele origin: unknown. Not counted in ClinVar's aggregate classification.

Literature cited by the submitters: PubMed 16116423 (cited by Labcorp Genetics (formerly Invitae), Labcorp); PubMed 17033622 (cited by Labcorp Genetics (formerly Invitae), Labcorp); PubMed 21964575 (cited by Labcorp Genetics (formerly Invitae), Labcorp); PubMed 26681312 (cited by 6 submitters); PubMed 27153395 (cited by Ambry Genetics).

NM_032043.3(BRIP1):c.1126_1127del (p.Gln376fs)

Gene: BRIP1 (BRCA1 interacting DNA helicase 1; minus strand). Cytogenetic location: 17q23.2.
Variant type: Microsatellite.
Coding change: c.1126_1127del on transcript NM_032043.3 (MANE Select); coding-DNA positions 1126 to 1127, 2 bases deleted (CA; older notation c.1126_1127delCA).
Protein change: p.Gln376fs; shifts the reading frame from glutamine 376.
Molecular consequence: frameshift variant.
Genome position (GRCh38, 1-based): chr17:61,801,266-61,801,267, TG deleted on the plus strand (CA on the coding strand, the reverse complement: BRIP1 is on the minus strand); deleting any 2 consecutive bases within chr17:61,801,266-61,801,269 gives the same sequence; the c. name uses the placement nearest the transcript's 3' end. VCF-style (leftmost placement, unchanged base first): chr17-61801265-TTG-T. GRCh37 (hg19) VCF-style: chr17-59878626-TTG-T.
Other names: p.Gln376Asnfs*18; c.1126_1127delCA (NM_032043.2, NM_032043.3); short protein forms Q376fs.
Identifiers: ClinVar variation 128151 (VCV000128151.29), dbSNP rs587780224, ClinGen allele CA288507.